The following is an entry in ClinVar:

ClinVar aggregate classification (germline): Uncertain significance (1 of 4 stars; one submission).

Conditions:
Inborn genetic diseases. Identifiers: MedGen C0950123, MeSH D030342.

gnomAD v4.1: 2 of 1,613,980 alleles (0.00012%); highest among the groups gnomAD compares: African/African-American, 0.0027%; no homozygotes.

Submission:

Ambry Genetics
Classification: Uncertain significance for Inborn genetic diseases. Last evaluated: 2025-02-22. Review status: criteria provided, single submitter. Criteria: Ambry Variant Classification Scheme 2023. Collection method: clinical testing. Allele origin: germline.
Comment: The p.C719S variant (also known as c.2155T>A), located in coding exon 20 of the ANKRD26 gene, results from a T to A substitution at nucleotide position 2155. The cysteine at codon 719 is replaced by serine, an amino acid with dissimilar properties. This amino acid position is conserved. In addition, this alteration is predicted to be tolerated by in silico analysis. Based on the available evidence, the clinical significance of this variant remains unclear.

NM_014915.3(ANKRD26):c.2155T>A (p.Cys719Ser)

Gene: ANKRD26 (ankyrin repeat domain containing 26; minus strand). Cytogenetic location: 10p12.1.
Variant type: single nucleotide variant.
Coding change: c.2155T>A on transcript NM_014915.3 (MANE Select); coding-DNA position 2155, T replaced by A.
Protein change: p.Cys719Ser; replaces cysteine 719 with serine.
Molecular consequence: missense variant.
Genome position (GRCh38, 1-based): chr10:27,043,432, A>T on the plus strand (T>A on the coding strand, the complement: ANKRD26 is on the minus strand). VCF-style: chr10-27043432-A-T. GRCh37 (hg19) VCF-style: chr10-27332361-A-T.
Other names: c.2152T>A, p.Cys718Ser (NM_001256053.2); short protein forms C718S, C719S.
Identifiers: ClinVar variation 3871597 (VCV003871597.1).